The following is an entry in ClinVar:

ClinVar aggregate classification (germline): Uncertain significance. Review status: criteria provided, multiple submitters, no conflicts (2 of 4 stars). 3 submissions from 3 submitters: Uncertain significance (3). Last evaluated 2024-05-14.

Conditions:
Inborn genetic diseases. Identifiers: MedGen C0950123, MeSH D030342.

Allele frequency attached by ClinVar (database versions not stated): gnomAD exomes 0.00001; ExAC 0.00002.

Submissions (3):

Blueprint Genetics
Classification: Uncertain significance. Last evaluated: 2024-05-14. Review status: criteria provided, single submitter. Criteria: ACMG Guidelines, 2015. Collection method: clinical testing. Allele origin: germline.

Ambry Genetics
Classification: Uncertain significance for Inborn genetic diseases. Last evaluated: 2022-04-13. Review status: criteria provided, single submitter. Criteria: Ambry Variant Classification Scheme 2023. Collection method: clinical testing. Allele origin: germline.

Labcorp Genetics (formerly Invitae), Labcorp
Classification: Uncertain significance. Last evaluated: 2022-03-12. Review status: criteria provided, single submitter. Criteria: Invitae Variant Classification Sherloc (09022015). Collection method: clinical testing. Allele origin: germline.
Comment: This sequence change replaces glutamic acid, which is acidic and polar, with lysine, which is basic and polar, at codon 3794 of the HSPG2 protein (p.Glu3794Lys). This variant is present in population databases (rs775485358, gnomAD 0.004%). This variant has not been reported in the literature in individuals affected with HSPG2-related conditions. Algorithms developed to predict the effect of missense changes on protein structure and function are either unavailable or do not agree on the potential impact of this missense change (SIFT: "Tolerated"; PolyPhen-2: "Probably Damaging"; Align-GVGD: "Class C0"). In summary, the available evidence is currently insufficient to determine the role of this variant in disease. Therefore, it has been classified as a Variant of Uncertain Significance.

NM_005529.7(HSPG2):c.11380G>A (p.Glu3794Lys)

Gene: HSPG2 (heparan sulfate proteoglycan 2; minus strand). Cytogenetic location: 1p36.12.
Variant type: single nucleotide variant.
Coding change: c.11380G>A on transcript NM_005529.7 (MANE Select); coding-DNA position 11380, G replaced by A.
Protein change: p.Glu3794Lys; replaces glutamic acid 3794 with lysine.
Molecular consequence: missense variant.
Genome position (GRCh38, 1-based): chr1:21,831,535, C>T on the plus strand (G>A on the coding strand, the complement: HSPG2 is on the minus strand). VCF-style: chr1-21831535-C-T. GRCh37 (hg19) VCF-style: chr1-22158028-C-T.
Other names: c.11383G>A, p.Glu3795Lys (NM_001291860.2); short protein forms E3795K, E3794K.
Identifiers: ClinVar variation 1899506 (VCV001899506.4), dbSNP rs775485358, ClinGen allele CA669812.